The following is an entry in ClinVar:

NM_007217.4(PDCD10):c.395+1G>C

Gene: PDCD10 (programmed cell death 10; minus strand). Cytogenetic location: 3q26.1.
Variant type: single nucleotide variant.
Coding change: c.395+1G>C on transcript NM_007217.4 (MANE Select); the canonical splice donor site of the intron after coding-DNA position 395, G replaced by C.
Molecular consequence: splice donor variant.
Genome position (GRCh38, 1-based): chr3:167,695,595, C>G on the plus strand (G>C on the coding strand, the complement: PDCD10 is on the minus strand). VCF-style: chr3-167695595-C-G. GRCh37 (hg19) VCF-style: chr3-167413383-C-G.
Other names: c.395+1G>C (NM_145860.2, NM_145859.2, NM_001439202.1 and 2 more transcripts).
Identifiers: ClinVar variation 4891342 (VCV004891342.1).

ClinVar aggregate classification (germline): Pathogenic (1 of 4 stars; one submission).

Submission:

GeneDx
Classification: Pathogenic. Last evaluated: 2026-03-11. Review status: criteria provided, single submitter. Criteria: GeneDx Variant Classification Process June 2021. Collection method: clinical testing. Allele origin: germline.
Comment: Canonical splice site variant predicted to result in a null allele in a gene for which loss of function is a known mechanism of disease; Not observed at significant frequency in large population cohorts (gnomAD); This variant is associated with the following publications: (PMID: 24466005)